The following is an entry in ClinVar:

NM_004655.4(AXIN2):c.2522G>C (p.Arg841Pro)

Gene: AXIN2 (axin 2; minus strand). Cytogenetic location: 17q24.1.
Variant type: single nucleotide variant.
Coding change: c.2522G>C on transcript NM_004655.4 (MANE Select); coding-DNA position 2522, G replaced by C.
Protein change: p.Arg841Pro; replaces arginine 841 with proline.
Molecular consequence: missense variant.
Genome position (GRCh38, 1-based): chr17:65,529,986, C>G on the plus strand (G>C on the coding strand, the complement: AXIN2 is on the minus strand). VCF-style: chr17-65529986-C-G. GRCh37 (hg19) VCF-style: chr17-63526104-C-G.
Other names: c.2327G>C, p.Arg776Pro (NM_001363813.1); short protein forms R776P, R841P.
Identifiers: ClinVar variation 937244 (VCV000937244.10), dbSNP rs562176077, ClinGen allele CA400674729.

ClinVar aggregate classification (germline): Uncertain significance. Review status: criteria provided, multiple submitters, no conflicts (2 of 4 stars). 2 submissions from 2 submitters: Uncertain significance (2). Last evaluated 2025-07-02.

Conditions:
Hereditary cancer-predisposing syndrome. Also called: Tumor predisposition; Hereditary neoplastic syndrome; Hereditary Cancer Syndrome; Neoplastic Syndromes, Hereditary. Identifiers: Orphanet 140162, MedGen C0027672, MeSH D009386, MONDO:0015356.
Oligodontia-cancer predisposition syndrome. Also called: TOOTH AGENESIS-COLORECTAL CANCER SYNDROME. Identifiers: Orphanet 300576, MedGen C1837750, MONDO:0012075, OMIM 608615. Disease mechanism: loss of function.

gnomAD v4.1: 2 of 1,614,072 alleles (0.00012%); highest among the groups gnomAD compares: Non-Finnish European, 0.000085%; no homozygotes.

Submissions (2):

Labcorp Genetics (formerly Invitae), Labcorp
Classification: Uncertain significance for Oligodontia-cancer predisposition syndrome. Last evaluated: 2025-07-02. Review status: criteria provided, single submitter. Criteria: Invitae Variant Classification Sherloc (09022015). Collection method: clinical testing. Allele origin: germline.
Comment: This sequence change replaces arginine, which is basic and polar, with proline, which is neutral and non-polar, at codon 841 of the AXIN2 protein (p.Arg841Pro). This variant is present in population databases (no rsID available, gnomAD 0.007%). This variant has not been reported in the literature in individuals affected with AXIN2-related conditions. ClinVar contains an entry for this variant (Variation ID: 937244). Invitae Evidence Modeling of protein sequence and biophysical properties (such as structural, functional, and spatial information, amino acid conservation, physicochemical variation, residue mobility, and thermodynamic stability) has been performed for this missense variant. However, the output from this modeling did not meet the statistical confidence thresholds required to predict the impact of this variant on AXIN2 protein function. In summary, the available evidence is currently insufficient to determine the role of this variant in disease. Therefore, it has been classified as a Variant of Uncertain Significance.

Ambry Genetics
Classification: Uncertain significance for Hereditary cancer-predisposing syndrome. Last evaluated: 2024-09-04. Review status: criteria provided, single submitter. Criteria: Ambry Variant Classification Scheme 2023. Collection method: clinical testing. Allele origin: germline.
Comment: The p.R841P variant (also known as c.2522G>C), located in coding exon 10 of the AXIN2 gene, results from a G to C substitution at nucleotide position 2522. The arginine at codon 841 is replaced by proline, an amino acid with dissimilar properties. This amino acid position is well conserved in available vertebrate species. In addition, the in silico prediction for this alteration is inconclusive. Based on the available evidence, the clinical significance of this variant remains unclear.